The following is an entry in ClinVar:

NM_000096.4(CP):c.2860G>A (p.Glu954Lys)

Gene: CP (ceruloplasmin; minus strand). Cytogenetic location: 3q24.
Variant type: single nucleotide variant.
Coding change: c.2860G>A on transcript NM_000096.4 (MANE Select); coding-DNA position 2860, G replaced by A.
Protein change: p.Glu954Lys; replaces glutamic acid 954 with lysine.
Molecular consequence: missense variant. On other transcripts: non-coding transcript variant (1).
Genome position (GRCh38, 1-based): chr3:149,178,433, C>T on the plus strand (G>A on the coding strand, the complement: CP is on the minus strand). VCF-style: chr3-149178433-C-T. GRCh37 (hg19) VCF-style: chr3-148896220-C-T.
Other names: short protein forms E954K.
Identifiers: ClinVar variation 2006165 (VCV002006165.4), dbSNP rs2472732715, ClinGen allele CA354929458.

ClinVar aggregate classification (germline): Uncertain significance (1 of 4 stars; one submission).

Conditions:
Deficiency of ferroxidase (ACEP). Also called: NEURODEGENERATION WITH BRAIN IRON ACCUMULATION 10; Aceruloplasminemia; Ceruloplasmin deficiency; Familial apoceruloplasmin deficiency; Hereditary ceruloplasmin deficiency; Deficiency of ceruloplasmin. Identifiers: Orphanet 48818, MedGen C0878682, MONDO:0011426, OMIM 604290, HP:0025498.

Submission:

Labcorp Genetics (formerly Invitae), Labcorp
Classification: Uncertain significance for Deficiency of ferroxidase. Last evaluated: 2024-02-24. Review status: criteria provided, single submitter. Criteria: Invitae Variant Classification Sherloc (09022015). Collection method: clinical testing. Allele origin: germline.
Comment: This sequence change replaces glutamic acid, which is acidic and polar, with lysine, which is basic and polar, at codon 954 of the CP protein (p.Glu954Lys). This variant is not present in population databases (gnomAD no frequency). This variant has not been reported in the literature in individuals affected with CP-related conditions. ClinVar contains an entry for this variant (Variation ID: 2006165). Advanced modeling of protein sequence and biophysical properties (such as structural, functional, and spatial information, amino acid conservation, physicochemical variation, residue mobility, and thermodynamic stability) performed at Invitae indicates that this missense variant is not expected to disrupt CP protein function with a negative predictive value of 80%. In summary, the available evidence is currently insufficient to determine the role of this variant in disease. Therefore, it has been classified as a Variant of Uncertain Significance.